The following is an entry in ClinVar:

ClinVar aggregate classification (germline): Likely benign (1 of 4 stars; one submission).

Conditions:
Hereditary diffuse gastric adenocarcinoma (HDGC). Also called: DIFFUSE GASTRIC AND LOBULAR BREAST CANCER SYNDROME. Identifiers: Orphanet 26106, MedGen C1708349, MONDO:0007648, OMIM 137215.

Submission:

Myriad Genetics, Inc.
Classification: Likely benign for Hereditary diffuse gastric adenocarcinoma. Last evaluated: 2024-09-10. Review status: criteria provided, single submitter. Criteria: Myriad Autosomal Dominant, Autosomal Recessive and X-Linked Classification Criteria (2023). Collection method: clinical testing. Allele origin: unknown.
Comment: This variant is considered likely benign. This variant is intronic and is not expected to impact mRNA splicing.

NM_004360.5(CDH1):c.48+6_48+10delinsTCGGT

Gene: CDH1 (cadherin 1; plus strand). Cytogenetic location: 16q22.1.
Variant type: Indel.
Coding change: c.48+6_48+10delinsTCGGT on transcript NM_004360.5 (MANE Select); bases 6 to 10 of the intron after coding-DNA position 48, CCGGA replaced by TCGGT.
Molecular consequence: intron variant.
Genome position (GRCh38, 1-based): chr16:68,737,469-68,737,473, CCGGA replaced by TCGGT. VCF-style: chr16-68737469-CCGGA-TCGGT. GRCh37 (hg19) VCF-style: chr16-68771372-CCGGA-TCGGT.
Other names: c.-1568+6_-1568+10delinsTCGGT (NM_001317185.2); c.-1772+6_-1772+10delinsTCGGT (NM_001317186.2); c.48+6_48+10delinsTCGGT (NM_001317184.2).
Identifiers: ClinVar variation 3378840 (VCV003378840.1).
Genomic context (GRCh38, chr16:68,737,469, plus strand): 5'-GCCAGCCATGGGCCCTTGGAGCCGCAGCCTCTCGGCGCTGCTGCTGCTGCTGCAGGTACC[CCGGA>TCGGT]TCCCCTGACTTGCGAGGGACGCATTCGGGCCGCAAGCTCCGCGCCCCAGCCCTGCGCCCC-3'